The following is an entry in ClinVar:

ClinVar aggregate classification (germline): Pathogenic/Likely pathogenic. Review status: criteria provided, multiple submitters, no conflicts (2 of 4 stars). 5 submissions from 5 submitters: Pathogenic (4); Likely pathogenic (1). Last evaluated 2025-09-16.

Conditions:
Retinitis pigmentosa 28 (RP28). Identifiers: Orphanet 791, MedGen C1419614, MONDO:0011630, OMIM 606068.
Retinitis pigmentosa (RP). Identifiers: Orphanet 791, MedGen C0035334, MeSH D012174, MONDO:0019200, OMIM 268000. Inheritance: Autosomal dominant, autosomal recessive and X linked inheritance.

Submissions (5):

Natera, Inc.
Classification: Pathogenic for Retinitis pigmentosa type 28. Last evaluated: 2025-09-16. Review status: criteria provided, single submitter. Criteria: Natera Variant Classification Schema (03/2026). Collection method: clinical testing. Allele origin: germline.
Comment: The c.1212T>A variant in FAM161A is a nonsense variant predicted to introduce a stop codon at amino acid 404. This variant is expected to result in nonsense mediated decay, truncation, or a dysfunctional protein product. This variant is rare in the general population with a frequency below the threshold expected for the associated phenotype(s). This variant has been observed in one or more individuals affected with the associated recessive disease, as either homozygous or compound heterozygous with a second variant (PMID: 32531858). Given the available evidence, this variant is classified as Pathogenic.

Myriad Genetics, Inc.
Classification: Pathogenic for Retinitis pigmentosa 28. Last evaluated: 2025-09-11. Review status: criteria provided, single submitter. Criteria: Myriad Autosomal Dominant, Autosomal Recessive and X-Linked Classification Criteria (2023). Collection method: clinical testing. Allele origin: unknown.
Comment: NM_001201543.1(FAM161A):c.1212T>A(C404*) is a nonsense variant classified as pathogenic in the context of retinitis pigmentosa, FAM161A-related. C404* has been observed in a case with relevant disease (PMID: 32531858). Relevant functional assessments of this variant are not available in the literature. C404* has been observed in referenced population frequency databases. In summary, NM_001201543.1(FAM161A):c.1212T>A(C404*) is a nonsense variant in a gene where loss of function is a known mechanism of disease, is predicted to disrupt protein function, and has been observed more frequently in cases with the relevant disease than in healthy populations. Please note: this variant was assessed in the context of healthy population screening.

Labcorp Genetics (formerly Invitae), Labcorp
Classification: Pathogenic. Last evaluated: 2023-09-28. Review status: criteria provided, single submitter. Criteria: Invitae Variant Classification Sherloc (09022015). Collection method: clinical testing. Allele origin: germline.
Comment: This sequence change creates a premature translational stop signal (p.Cys404*) in the FAM161A gene. It is expected to result in an absent or disrupted protein product. Loss-of-function variants in FAM161A are known to be pathogenic (PMID: 20705278, 20705279, 24651477). This variant is present in population databases (no rsID available, gnomAD 0.0009%). This premature translational stop signal has been observed in individual(s) with retinitis pigmentosa (PMID: 32531858). ClinVar contains an entry for this variant (Variation ID: 425201). For these reasons, this variant has been classified as Pathogenic.

Molecular Genetics Laboratory, Institute for Ophthalmic Research
Classification: Pathogenic for Retinitis pigmentosa. Last evaluated: 2020-01-09. Review status: criteria provided, single submitter. Criteria: ACMG Guidelines, 2015. Collection method: research. Allele origin: germline. Affected: yes.

CeGaT Center for Human Genetics Tuebingen
Classification: Likely pathogenic. Last evaluated: 2017-01-01. Review status: criteria provided, single submitter. Criteria: CeGaT Center For Human Genetics Tuebingen Variant Classification Criteria Version 2. Collection method: clinical testing. Allele origin: germline. Affected: yes. Observed: 1 variant allele.

Literature cited by the submitters: PubMed 32531858 (cited by 3 submitters); PubMed 20705278 (cited by Labcorp Genetics (formerly Invitae), Labcorp); PubMed 20705279 (cited by Labcorp Genetics (formerly Invitae), Labcorp); PubMed 24651477 (cited by Labcorp Genetics (formerly Invitae), Labcorp).

NM_001201543.2(FAM161A):c.1212T>A (p.Cys404Ter)

Gene: FAM161A (FAM161 centrosomal protein A; minus strand). Cytogenetic location: 2p15.
Variant type: single nucleotide variant.
Coding change: c.1212T>A on transcript NM_001201543.2 (MANE Select); coding-DNA position 1212, T replaced by A.
Protein change: p.Cys404Ter; replaces cysteine 404 with a stop codon.
Molecular consequence: nonsense. On other transcripts: non-coding transcript variant (1).
Genome position (GRCh38, 1-based): chr2:61,839,792, A>T on the plus strand (T>A on the coding strand, the complement: FAM161A is on the minus strand). VCF-style: chr2-61839792-A-T. GRCh37 (hg19) VCF-style: chr2-62066927-A-T.
Other names: c.1212T>A, p.Cys404Ter (NM_032180.3); short protein forms C404*.
Identifiers: ClinVar variation 425201 (VCV000425201.51), dbSNP rs4672457, ClinGen allele CA16621749.